The following is an entry in ClinVar:

ClinVar aggregate classification (germline): Uncertain significance (1 of 4 stars; one submission).

Conditions:
Neurofibromatosis, type 1 (NF1). Also called: VON RECKLINGHAUSEN DISEASE; NEUROFIBROMATOSIS, TYPE I, SOMATIC; Peripheral type neurofibromatosis; Neurofibromatosis, type I. Identifiers: Orphanet 636, MedGen C0027831, MONDO:0018975, OMIM 162200. Disease mechanism: loss of function.

gnomAD v4.1: 8 of 1,614,082 alleles (0.0005%); highest among the groups gnomAD compares: African/African-American, 0.0013%; no homozygotes.

Submission:

Labcorp Genetics (formerly Invitae), Labcorp
Classification: Uncertain significance for Neurofibromatosis, type 1. Last evaluated: 2024-02-03. Review status: criteria provided, single submitter. Criteria: Invitae Variant Classification Sherloc (09022015). Collection method: clinical testing. Allele origin: germline.
Comment: This sequence change replaces glutamine, which is neutral and polar, with glutamic acid, which is acidic and polar, at codon 2799 of the NF1 protein (p.Gln2799Glu). This variant is not present in population databases (gnomAD no frequency). This variant has not been reported in the literature in individuals affected with NF1-related conditions. ClinVar contains an entry for this variant (Variation ID: 1502905). Advanced modeling of protein sequence and biophysical properties (such as structural, functional, and spatial information, amino acid conservation, physicochemical variation, residue mobility, and thermodynamic stability) has been performed at Invitae for this missense variant, however the output from this modeling did not meet the statistical confidence thresholds required to predict the impact of this variant on NF1 protein function. In summary, the available evidence is currently insufficient to determine the role of this variant in disease. Therefore, it has been classified as a Variant of Uncertain Significance.

NM_001042492.3(NF1):c.8458C>G (p.Gln2820Glu)

Gene: NF1 (neurofibromin 1; plus strand). Cytogenetic location: 17q11.2.
Variant type: single nucleotide variant.
Coding change: c.8458C>G on transcript NM_001042492.3 (MANE Select); coding-DNA position 8458, C replaced by G.
Protein change: p.Gln2820Glu; replaces glutamine 2820 with glutamic acid.
Molecular consequence: missense variant.
Genome position (GRCh38, 1-based): chr17:31,374,093, C>G. VCF-style: chr17-31374093-C-G. GRCh37 (hg19) VCF-style: chr17-29701111-C-G.
Other names: c.8395C>G, p.Gln2799Glu (NM_000267.4); short protein forms Q2820E, Q2799E.
Identifiers: ClinVar variation 1502905 (VCV001502905.8), dbSNP rs2151601501, ClinGen allele CA399206015.